The following is an entry in ClinVar:

NM_001286.5(CLCN6):c.1315G>A (p.Ala439Thr)

Gene: CLCN6 (chloride voltage-gated channel 6; plus strand). Cytogenetic location: 1p36.22.
Variant type: single nucleotide variant.
Coding change: c.1315G>A on transcript NM_001286.5 (MANE Select); coding-DNA position 1315, G replaced by A.
Protein change: p.Ala439Thr; replaces alanine 439 with threonine.
Molecular consequence: missense variant. On other transcripts: non-coding transcript variant (1).
Genome position (GRCh38, 1-based): chr1:11,833,581, G>A. VCF-style: chr1-11833581-G-A. GRCh37 (hg19) VCF-style: chr1-11893638-G-A.
Other names: c.1249G>A, p.Ala417Thr (NM_001256959.2); short protein forms A417T, A439T.
Identifiers: ClinVar variation 1676454 (VCV001676454.3), dbSNP rs762089073, ClinGen allele CA338434396.

ClinVar aggregate classification (germline): Uncertain significance (1 of 4 stars; one submission).

gnomAD v4.1: 3 of 1,614,000 alleles (0.00019%); highest among the groups gnomAD compares: Non-Finnish European, 0.00025%; no homozygotes.

Submission:

Greenwood Genetic Center Diagnostic Laboratories, Greenwood Genetic Center
Classification: Uncertain significance. Last evaluated: 2022-01-07. Review status: criteria provided, single submitter. Criteria: ACMG Guidelines, 2015. Collection method: clinical testing. Allele origin: germline. Affected: yes.
Comment: PM2